The following is an entry in ClinVar:

ClinVar aggregate classification (germline): Likely benign. Review status: criteria provided, single submitter (1 of 4 stars). 2 submissions from 2 submitters: Likely benign (1). 1 of the submissions does not count toward it. Last evaluated 2023-10-30.

Conditions:
CTNS-related disorder. Also called: CTNS-related condition.
Inborn genetic diseases. Identifiers: MedGen C0950123, MeSH D030342.
Ocular cystinosis. Also called: Non-Nephropathic Cystinosis; Non-Nephropathic (Ocular) Cystinosis. Identifiers: Orphanet 213, Orphanet 411641, MedGen C2931013, MONDO:0009064, OMIM 219750.
Juvenile nephropathic cystinosis. Also called: Intermediate Cystinosis; CYSTINOSIS, LATE-ONSET JUVENILE OR ADOLESCENT NEPHROPATHIC TYPE; Later-Onset (Juvenile) Cystinosis. Identifiers: Orphanet 213, Orphanet 411634, MedGen C0268626, MONDO:0009066, OMIM 219900.

Allele frequency attached by ClinVar (database versions not stated): ExAC 0.00001; gnomAD 0.00001; gnomAD exomes 0.00002 and below 0.00001; TOPMed below 0.00001.

Submissions (2):

Labcorp Genetics (formerly Invitae), Labcorp
Classification: Likely benign for Inborn genetic diseases; Ocular cystinosis; Juvenile nephropathic cystinosis. Last evaluated: 2023-10-30. Review status: criteria provided, single submitter. Criteria: Invitae Variant Classification Sherloc (09022015). Collection method: clinical testing. Allele origin: germline.

PreventionGenetics, part of Exact Sciences
Classification: Likely benign for CTNS-related condition. Last evaluated: 2019-04-01. Review status: no assertion criteria provided. Collection method: clinical testing. Allele origin: germline. Not counted in ClinVar's aggregate classification.
Comment: This variant is classified as likely benign based on ACMG/AMP sequence variant interpretation guidelines (Richards et al. 2015 PMID: 25741868, with internal and published modifications).

NM_004937.3(CTNS):c.609C>T (p.Ser203=)

Genes: CTNS (cystinosin, lysosomal cystine transporter; plus strand), CTNS-AS1 (CTNS antisense RNA 1; minus strand). Cytogenetic location: 17p13.2.
Variant type: single nucleotide variant.
Coding change: c.609C>T on transcript NM_004937.3 (MANE Select); coding-DNA position 609, C replaced by T.
Protein change: p.Ser203=; no amino-acid change (serine 203 retained).
Molecular consequence: synonymous variant.
Genome position (GRCh38, 1-based): chr17:3,656,723, C>T. VCF-style: chr17-3656723-C-T. GRCh37 (hg19) VCF-style: chr17-3560017-C-T.
Other names: c.609C>T, p.Ser203= (NM_001031681.3, NM_001374492.1); c.168C>T, p.Ser56= (NM_001374493.1, NM_001374494.1, NM_001374495.1 and 1 more transcripts); c.609C>T (NM_001031681.2).
Identifiers: ClinVar variation 768820 (VCV000768820.14), dbSNP rs200273011, ClinGen allele CA8291797.